The following is an entry in ClinVar:

ClinVar aggregate classification (germline): Pathogenic (1 of 4 stars; one submission).

Conditions:
Aniridia 1 (AN1). Identifiers: Orphanet 250923, MedGen C0344542, MONDO:0024507, OMIM 106210.
Irido-corneo-trabecular dysgenesis (ASGD5). Also called: ANTERIOR SEGMENT DYSGENESIS 5. Identifiers: Orphanet 708, MedGen C0344559, MONDO:0011414, OMIM 604229, HP:0000659.

Submission:

Labcorp Genetics (formerly Invitae), Labcorp
Classification: Pathogenic for Aniridia 1; Irido-corneo-trabecular dysgenesis. Last evaluated: 2019-11-15. Review status: criteria provided, single submitter. Criteria: Invitae Variant Classification Sherloc (09022015). Collection method: clinical testing. Allele origin: germline.
Comment: For these reasons, this variant has been classified as Pathogenic. Loss-of-function variants in PAX6 are known to be pathogenic (PMID: 12634864). This variant has not been reported in the literature in individuals with PAX6-related conditions. This variant is not present in population databases (ExAC no frequency). This sequence change creates a premature translational stop signal (p.Thr323Glnfs*42) in the PAX6 gene. It is expected to result in an absent or disrupted protein product.

Literature cited by the submitters: PubMed 12634864.

NM_001368894.2(PAX6):c.1009del (p.Thr337fs)

Gene: PAX6 (paired box 6; minus strand). Cytogenetic location: 11p13.
Variant type: Deletion.
Coding change: c.1009del on transcript NM_001368894.2 (MANE Select); coding-DNA position 1009, one base deleted (A; older notation c.1009delA).
Protein change: p.Thr337fs; shifts the reading frame from threonine 337.
Molecular consequence: frameshift variant. On other transcripts: non-coding transcript variant (2).
Genome position (GRCh38, 1-based): chr11:31,793,503, T deleted on the plus strand (A on the coding strand, the reverse complement: PAX6 is on the minus strand). VCF-style (leftmost placement, unchanged base first): chr11-31793502-GT-G. GRCh37 (hg19) VCF-style: chr11-31815050-GT-G.
Other names: c.967del, p.Thr323fs (NM_000280.6, NM_001127612.3, NM_001258464.2 and 10 more transcripts); c.1009del, p.Thr337fs (NM_001258462.3, NM_001258463.2, NM_001310158.2 and 6 more transcripts); c.559del, p.Thr187fs (NM_001310160.2, NM_001310161.3, NM_001368899.2 and 11 more transcripts); c.1210del, p.Thr404fs (NM_001368910.2); c.1012del, p.Thr338fs (NM_001368911.2); c.1084del, p.Thr362fs (NM_001368918.2, NM_001368919.2); c.1042del, p.Thr348fs (NM_001368920.2); c.808del, p.Thr270fs (NM_001368921.2, NM_001368922.2, NM_001368923.2 and 4 more transcripts); and 2 more; short protein forms T122fs, T256fs, T337fs, T338fs, T348fs, T404fs, T362fs, T187fs.
Identifiers: ClinVar variation 956853 (VCV000956853.7), dbSNP rs1950537152, ClinGen allele CA1139661882.